The following is an entry in ClinVar:

NM_000330.4(RS1):c.56C>T (p.Thr19Ile)

Gene: RS1 (retinoschisin 1; minus strand). Cytogenetic location: Xp22.13.
Variant type: single nucleotide variant.
Coding change: c.56C>T on transcript NM_000330.4 (MANE Select); coding-DNA position 56, C replaced by T.
Protein change: p.Thr19Ile; replaces threonine 19 with isoleucine.
Molecular consequence: missense variant.
Genome position (GRCh38, 1-based): chrX:18,657,662, G>A on the plus strand (C>T on the coding strand, the complement: RS1 is on the minus strand). VCF-style: chrX-18657662-G-A. GRCh37 (hg19) VCF-style: chrX-18675782-G-A.
Other names: c.56C>T (NM_000330.3); short protein forms T19I.
Identifiers: ClinVar variation 1397154 (VCV001397154.9), dbSNP rs2147203502, ClinGen allele CA412376899.

ClinVar aggregate classification (germline): Uncertain significance. Review status: criteria provided, multiple submitters, no conflicts (2 of 4 stars). 2 submissions from 2 submitters: Uncertain significance (2). Last evaluated 2025-04-25.

Conditions:
Inborn genetic diseases. Identifiers: MedGen C0950123, MeSH D030342.

Submissions (2):

Ambry Genetics
Classification: Uncertain significance for Inborn genetic diseases. Last evaluated: 2025-04-25. Review status: criteria provided, single submitter. Criteria: Ambry Variant Classification Scheme 2023. Collection method: clinical testing. Allele origin: germline.

Labcorp Genetics (formerly Invitae), Labcorp
Classification: Uncertain significance. Last evaluated: 2021-02-09. Review status: criteria provided, single submitter. Criteria: Invitae Variant Classification Sherloc (09022015). Collection method: clinical testing. Allele origin: germline.
Comment: In summary, the available evidence is currently insufficient to determine the role of this variant in disease. Therefore, it has been classified as a Variant of Uncertain Significance. Advanced modeling of protein sequence and biophysical properties (such as structural, functional, and spatial information, amino acid conservation, physicochemical variation, residue mobility, and thermodynamic stability) performed at Invitae indicates that this missense variant is not expected to disrupt RS1 protein function. This variant has not been reported in the literature in individuals with RS1-related conditions. This variant is not present in population databases (ExAC no frequency). This sequence change replaces threonine with isoleucine at codon 19 of the RS1 protein (p.Thr19Ile). The threonine residue is moderately conserved and there is a moderate physicochemical difference between threonine and isoleucine.